The following is an entry in ClinVar:

ClinVar aggregate classification (germline): Uncertain significance (1 of 4 stars; one submission).

gnomAD v4.1: 1 of 1,613,588 alleles (0.000062%); highest among the groups gnomAD compares: Admixed American, 0.0017%; no homozygotes.

Submission:

Women's Health and Genetics/Laboratory Corporation of America, LabCorp
Classification: Uncertain significance. Last evaluated: 2026-03-30. Review status: criteria provided, single submitter. Criteria: LabCorp Variant Classification Summary - May 2015. Collection method: clinical testing. Allele origin: germline.
Comment: Variant summary: ETFDH c.393G>C (p.Trp131Cys) results in a non-conservative amino acid change in the encoded protein sequence. Algorithms developed to predict the effect of missense changes on protein structure and function all suggest that this variant is likely to be disruptive. The variant allele was found at a frequency of 4e-06 in 251120 control chromosomes. The available data on variant occurrences in the general population are insufficient to allow any conclusion about variant significance. c.393G>C has been observed in only a single individual(s) affected with Glutaric Aciduria, Type 2c who has been reported in multiple studies (example, Wen_2010, Liang_2025, Xi_2014, Wen_2022, Wen_2013). These data do not allow any conclusion about variant significance. At least one publication reports experimental evidence evaluating an impact on protein function, however, does not allow convincing conclusions about the variant effect (Wen_2010). The following publications have been ascertained in the context of this evaluation (PMID: 19758981, 40827880, 34718578, 33823724, 31852447, 25200064, 24522293, 24357026, 23628458, 22664151, 22013910). No submitters have cited clinical-significance assessments for this variant to ClinVar. Based on the evidence outlined above, the variant was classified as uncertain significance.

Literature cited by the submitters: PubMed 31852447; PubMed 25200064; PubMed 24522293; PubMed 19758981; PubMed 33823724; PubMed 24357026; PubMed 23628458; PubMed 34718578; PubMed 22664151; PubMed 22013910; PubMed 40827880.

NM_004453.4(ETFDH):c.393G>C (p.Trp131Cys)

Gene: ETFDH (electron transfer flavoprotein dehydrogenase; plus strand). Cytogenetic location: 4q32.1.
Variant type: single nucleotide variant.
Coding change: c.393G>C on transcript NM_004453.4 (MANE Select); coding-DNA position 393, G replaced by C.
Protein change: p.Trp131Cys; replaces tryptophan 131 with cysteine.
Molecular consequence: missense variant.
Genome position (GRCh38, 1-based): chr4:158,682,412, G>C. VCF-style: chr4-158682412-G-C. GRCh37 (hg19) VCF-style: chr4-159603564-G-C.
Other names: c.252G>C, p.Trp84Cys (NM_001281737.2); c.210G>C, p.Trp70Cys (NM_001281738.1); short protein forms W131C, W70C, W84C.
Identifiers: ClinVar variation 4847512 (VCV004847512.1).